The following is an entry in ClinVar:

NM_000038.6(APC):c.7211T>A (p.Met2404Lys)

Gene: APC (APC regulator of Wnt signaling pathway; plus strand). Cytogenetic location: 5q22.2.
Variant type: single nucleotide variant.
Coding change: c.7211T>A on transcript NM_000038.6 (MANE Select); coding-DNA position 7211, T replaced by A.
Protein change: p.Met2404Lys; replaces methionine 2404 with lysine.
Molecular consequence: missense variant.
Genome position (GRCh38, 1-based): chr5:112,842,805, T>A. VCF-style: chr5-112842805-T-A. GRCh37 (hg19) VCF-style: chr5-112178502-T-A.
Other names: c.7211T>A, p.Met2404Lys (NM_001127510.3, NM_001354895.2); c.7157T>A, p.Met2386Lys (NM_001127511.3); c.7265T>A, p.Met2422Lys (NM_001354896.2); c.7241T>A, p.Met2414Lys (NM_001354897.2); c.7136T>A, p.Met2379Lys (NM_001354898.2); c.7127T>A, p.Met2376Lys (NM_001354899.2); c.7088T>A, p.Met2363Lys (NM_001354900.2); c.7034T>A, p.Met2345Lys (NM_001354901.2); and 5 more; short protein forms M2386K, M2404K, M2121K, M2313K, M2422K, M2278K, M2363K, M2379K.
Identifiers: ClinVar variation 219778 (VCV000219778.17), dbSNP rs864622246, ClinGen allele CA349601.

ClinVar aggregate classification (germline): Uncertain significance. Review status: criteria provided, multiple submitters, no conflicts (2 of 4 stars). 4 submissions from 4 submitters: Uncertain significance (4). Last evaluated 2025-12-29.

Conditions:
Hereditary cancer-predisposing syndrome. Also called: Hereditary neoplastic syndrome; Tumor predisposition; Hereditary Cancer Syndrome; Neoplastic Syndromes, Hereditary. Identifiers: Orphanet 140162, MedGen C0027672, MeSH D009386, MONDO:0015356.
Familial adenomatous polyposis 1 (FAP1). Also called: FAMILIAL ADENOMATOUS POLYPOSIS 1, ATTENUATED; POLYPOSIS, ADENOMATOUS INTESTINAL. Identifiers: MedGen C2713442, MONDO:0021056, OMIM 175100. Disease mechanism: loss of function.

Allele frequency attached by ClinVar (database versions not stated): TOPMed below 0.00001.

Submissions (4):

Center for Genomic Medicine, Rigshospitalet, Copenhagen University Hospital
Classification: Uncertain significance. Last evaluated: 2025-12-29. Review status: criteria provided, single submitter. Criteria: ACMG Guidelines, 2015. Collection method: clinical testing. Allele origin: germline.
Comment: Classification criteria: BP1, PM2_supporting

Labcorp Genetics (formerly Invitae), Labcorp
Classification: Uncertain significance for Familial adenomatous polyposis 1. Last evaluated: 2025-07-13. Review status: criteria provided, single submitter. Criteria: Invitae Variant Classification Sherloc (09022015). Collection method: clinical testing. Allele origin: germline.
Comment: This sequence change replaces methionine, which is neutral and non-polar, with lysine, which is basic and polar, at codon 2404 of the APC protein (p.Met2404Lys). This variant is not present in population databases (gnomAD no frequency). This missense change has been observed in individual(s) with breast cancer (PMID: 30093976). ClinVar contains an entry for this variant (Variation ID: 219778). Invitae Evidence Modeling of protein sequence and biophysical properties (such as structural, functional, and spatial information, amino acid conservation, physicochemical variation, residue mobility, and thermodynamic stability) indicates that this missense variant is not expected to disrupt APC protein function with a negative predictive value of 95%. In summary, the available evidence is currently insufficient to determine the role of this variant in disease. Therefore, it has been classified as a Variant of Uncertain Significance.

Ambry Genetics
Classification: Uncertain significance for Hereditary cancer-predisposing syndrome. Last evaluated: 2024-08-05. Review status: criteria provided, single submitter. Criteria: Ambry Variant Classification Scheme 2023. Collection method: clinical testing. Allele origin: germline.
Comment: The p.M2404K variant (also known as c.7211T>A), located in coding exon 15 of the APC gene, results from a T to A substitution at nucleotide position 7211. The methionine at codon 2404 is replaced by lysine, an amino acid with similar properties. Missense alterations in APC are not a common cause of disease (Spier I et al. Genet Med. 2024 Feb;26(2):100992). This amino acid position is not well conserved in available vertebrate species. In addition, in silico predictors for this gene do not accurately predict pathogenicity. Based on the available evidence, the clinical significance of this variant remains unclear.

Women's Health and Genetics/Laboratory Corporation of America, LabCorp
Classification: Uncertain significance. Last evaluated: 2022-12-19. Review status: criteria provided, single submitter. Criteria: LabCorp Variant Classification Summary - May 2015. Collection method: clinical testing. Allele origin: germline.
Comment: Variant summary: APC c.7211T>A (p.Met2404Lys) results in a non-conservative amino acid change in the encoded protein sequence. Four of five in-silico tools predict a benign effect of the variant on protein function. The variant was absent in 250064 control chromosomes. The available data on variant occurrences in the general population are insufficient to allow any conclusion about variant significance. c.7211T>A has been reported in the literature in individuals affected with Breast Cancer (Chan_2018) without strong evidence for causality. This report does not provide unequivocal conclusions about association of the variant with Familial Adenomatous Polyposis. To our knowledge, no experimental evidence demonstrating an impact on protein function has been reported. Two clinical diagnostic laboratories have submitted clinical-significance assessments for this variant to ClinVar after 2014 without evidence for independent evaluation. All laboratories classified the variant as uncertain significance. Based on the evidence outlined above, the variant was classified as uncertain significance.

Literature cited by the submitters: PubMed 30093976 (cited by 3 submitters).